The following is an entry in ClinVar:

NM_205768.3(ZBTB18):c.1268T>C (p.Leu423Pro)

Gene: ZBTB18 (zinc finger and BTB domain containing 18; plus strand). Cytogenetic location: 1q44.
Variant type: single nucleotide variant.
Coding change: c.1268T>C on transcript NM_205768.3 (MANE Select); coding-DNA position 1268, T replaced by C.
Protein change: p.Leu423Pro; replaces leucine 423 with proline.
Molecular consequence: missense variant.
Genome position (GRCh38, 1-based): chr1:244,055,042, T>C. VCF-style: chr1-244055042-T-C. GRCh37 (hg19) VCF-style: chr1-244218344-T-C.
Other names: c.1241T>C, p.Leu414Pro (NM_001278196.2, NM_006352.5); short protein forms L414P, L423P.
Identifiers: ClinVar variation 1343281 (VCV001343281.1), dbSNP rs2148557490, ClinGen allele CA345674738.

ClinVar aggregate classification (germline): Uncertain significance (1 of 4 stars; one submission).

Conditions:
Intellectual developmental disorder, autosomal dominant 22. Also called: Intellectual disability, autosomal dominant 22. Identifiers: MedGen CN029689, MONDO:0012869, OMIM 612337.

Submission:

Institute of Human Genetics, Clinical Exome/Genome Diagnostics Group, University Hospital Bonn
Classification: Uncertain significance for Intellectual developmental disorder, autosomal dominant 22. Last evaluated: 2022-02-11. Review status: criteria provided, single submitter. Criteria: ACMG Guidelines, 2015. Collection method: clinical testing. Allele origin: germline. Affected: yes.
Comment: PM2, PP2